The following is an entry in ClinVar:

NM_014336.5(AIPL1):c.137G>C (p.Arg46Pro)

Gene: AIPL1 (AIP like 1 HSP90 co-chaperone; minus strand). Cytogenetic location: 17p13.2.
Variant type: single nucleotide variant.
Coding change: c.137G>C on transcript NM_014336.5 (MANE Select); coding-DNA position 137, G replaced by C.
Protein change: p.Arg46Pro; replaces arginine 46 with proline.
Molecular consequence: missense variant. On other transcripts: intron variant (2).
Genome position (GRCh38, 1-based): chr17:6,434,058, C>G on the plus strand (G>C on the coding strand, the complement: AIPL1 is on the minus strand). VCF-style: chr17-6434058-C-G. GRCh37 (hg19) VCF-style: chr17-6337378-C-G.
Other names: c.137G>C (NM_014336.3); c.137G>C, p.Arg46Pro (NM_001033054.3, NM_001285401.3, NM_001285403.4); c.101G>C, p.Arg34Pro (NM_001285399.3); c.20G>C, p.Arg7Pro (NM_001285402.2); c.96+951G>C (NM_001033055.3); c.97-26G>C (NM_001285400.3); short protein forms R34P, R46P, R7P.
Identifiers: ClinVar variation 1006694 (VCV001006694.8), dbSNP rs755639765, ClinGen allele CA8328614.
Genomic context (GRCh38, chr17:6,434,058, plus strand): 5'-ATGTTTCCGATGATGATGTGCATGGGCTGGCCCACCTGCCGACTGTCGTCAATGACTGTC[C>G]GCTCCTCATCACATTTCATGGTGCGGAAATGAAAGATCACCTAGTCACCGAGACGGTGCA-3'
Protein context (NP_055151.3, residues 36-56): HFRTMKCDEE[Arg46Pro]TVIDDSRQVG

ClinVar aggregate classification (germline): Uncertain significance. Review status: criteria provided, multiple submitters, no conflicts (2 of 4 stars). 3 submissions from 3 submitters: Uncertain significance (3). Last evaluated 2025-10-02.

Conditions:
Inborn genetic diseases. Identifiers: MedGen C0950123, MeSH D030342.
Leber congenital amaurosis 4 (LCA4). Identifiers: MedGen C1858386, MONDO:0011458, OMIM 604393.

Allele frequency attached by ClinVar (database versions not stated): TOPMed 0.00002.
gnomAD v4.1: 41 of 1,613,990 alleles (0.0025%); highest among the groups gnomAD compares: Non-Finnish European, 0.0029%; no homozygotes.

Submissions (3):

Labcorp Genetics (formerly Invitae), Labcorp
Classification: Uncertain significance for Leber congenital amaurosis 4. Last evaluated: 2025-10-02. Review status: criteria provided, single submitter. Criteria: Invitae Variant Classification Sherloc (09022015). Collection method: clinical testing. Allele origin: germline.
Comment: This sequence change replaces arginine, which is basic and polar, with proline, which is neutral and non-polar, at codon 46 of the AIPL1 protein (p.Arg46Pro). This variant is present in population databases (rs755639765, gnomAD 0.009%). This variant has not been reported in the literature in individuals affected with AIPL1-related conditions. ClinVar contains an entry for this variant (Variation ID: 1006694). Invitae Evidence Modeling of protein sequence and biophysical properties (such as structural, functional, and spatial information, amino acid conservation, physicochemical variation, residue mobility, and thermodynamic stability) indicates that this missense variant is expected to disrupt AIPL1 protein function with a positive predictive value of 95%. In summary, the available evidence is currently insufficient to determine the role of this variant in disease. Therefore, it has been classified as a Variant of Uncertain Significance.

Ambry Genetics
Classification: Uncertain significance for Inborn genetic diseases. Last evaluated: 2025-05-04. Review status: criteria provided, single submitter. Criteria: Ambry Variant Classification Scheme 2023. Collection method: clinical testing. Allele origin: germline.

Blueprint Genetics
Classification: Uncertain significance. Last evaluated: 2021-12-10. Review status: criteria provided, single submitter. Criteria: ACMG Guidelines, 2015. Collection method: clinical testing. Allele origin: germline.